The following is an entry in ClinVar:

ClinVar aggregate classification (germline): Pathogenic (3 of 4 stars; one submission).

Conditions:
Hereditary thrombocytopenia and hematologic cancer predisposition syndrome. Identifiers: Orphanet 71290, MedGen CN281654, MONDO:0011071.

Submission:

ClinGen Myeloid Malignancy Variant Curation Expert Panel
Classification: Pathogenic for Hereditary thrombocytopenia and hematologic cancer predisposition syndrome. Last evaluated: 2024-03-26. Review status: reviewed by expert panel. Criteria: ClinGen MyeloMalig ACMG Specifications v2. Collection method: curation. Allele origin: germline. Inheritance: Autosomal dominant inheritance.
Comment: NM_001754.5(RUNX1):c.349A>T (p.Lys117Ter) is a nonsense variant which is predicted to undergo nonsense mediated decay in a gene in which loss-of-function is an established mechanism (nonsense c.98-c.916 as per VCEP specifications) (PVS1). There is evidence of very low or abnormal mRNA/protein expression of the c.349A>T (p.Lys117Ter) variant allele as a functional consequence of a null variant or incorrect mRNA/protein products (PS3; PMID: 34166225). This variant is completely absent from all population databases with at least 20x coverage for RUNX1 (PM2_Supporting). This variant is a nonsense/frameshift variants that is downstream of c.98 (PM5_Supporting). In summary, this variant meets criteria to be classified as pathogenic. ACMG/AMP criteria applied, as specified by the Myeloid Malignancy Variant Curation Expert Panel for RUNX1: PVS1, PS3, PM2_supporting, PM5_supporting.

Literature cited by the submitters: PubMed 34166225.

NM_001754.5(RUNX1):c.349A>T (p.Lys117Ter)

Gene: RUNX1 (RUNX family transcription factor 1; minus strand). Cytogenetic location: 21q22.12.
Variant type: single nucleotide variant.
Coding change: c.349A>T on transcript NM_001754.5 (MANE Select); coding-DNA position 349, A replaced by T.
Protein change: p.Lys117Ter; replaces lysine 117 with a stop codon.
Molecular consequence: nonsense.
Genome position (GRCh38, 1-based): chr21:34,886,845, T>A on the plus strand (A>T on the coding strand, the complement: RUNX1 is on the minus strand). VCF-style: chr21-34886845-T-A. GRCh37 (hg19) VCF-style: chr21-36259142-T-A.
Other names: NM_001754.5:c.349A>T; c.268A>T, p.Lys90Ter (NM_001001890.3, NM_001122607.2); short protein forms K117*, K90*.
Identifiers: ClinVar variation 3255393 (VCV003255393.2), dbSNP rs2146407735.